The following is an entry in ClinVar:

NM_000069.3(CACNA1S):c.3157G>A (p.Ala1053Thr)

Gene: CACNA1S (calcium voltage-gated channel subunit alpha1 S; minus strand). Cytogenetic location: 1q32.1.
Variant type: single nucleotide variant.
Coding change: c.3157G>A on transcript NM_000069.3 (MANE Select); coding-DNA position 3157, G replaced by A.
Protein change: p.Ala1053Thr; replaces alanine 1053 with threonine.
Molecular consequence: missense variant.
Genome position (GRCh38, 1-based): chr1:201,061,365, C>T on the plus strand (G>A on the coding strand, the complement: CACNA1S is on the minus strand). VCF-style: chr1-201061365-C-T. GRCh37 (hg19) VCF-style: chr1-201030493-C-T.
Other names: short protein forms A1053T.
Identifiers: ClinVar variation 591277 (VCV000591277.11), dbSNP rs1558062351, ClinGen allele CA344162299.
Genomic context (GRCh38, chr1:201,061,365, plus strand): 5'-CTCCCTGCTCCTGGAAGGTGACAATGACGAAGCCCACAAAGATGTTCATCATGAAGAAGG[C>T]AATGAGGATGATGTAGATGATGAAGAAGATGGCCATCTCCACACGGTTGTTGTAGATGGG-3'
Protein context (NP_000060.2, residues 1043-1063): IFFIIYIILI[Ala1053Thr]FFMMNIFVGF

ClinVar aggregate classification (germline): Uncertain significance. Review status: criteria provided, multiple submitters, no conflicts (2 of 4 stars). 3 submissions from 3 submitters: Uncertain significance (2). 1 of the submissions does not count toward it. Last evaluated 2025-08-25.

Conditions:
Hypokalemic periodic paralysis, type 1. Also called: Hypokalemic Periodic Paralysis Type 1 (AD); HypoPP. Identifiers: Orphanet 681, MedGen C3714580, MONDO:0042979, OMIM 170400.
Malignant hyperthermia, susceptibility to, 5 (MHS5). Also called: CACNA1S-Related Malignant Hyperthermia Susceptibility. Identifiers: Orphanet 423, MedGen C1866077, MONDO:0011163, OMIM 601887.

Allele frequency attached by ClinVar (database versions not stated): gnomAD exomes 0.00001.
gnomAD v4.1: 12 of 1,614,192 alleles (0.00074%); highest among the groups gnomAD compares: Non-Finnish European, 0.001%; no homozygotes.

Submissions (3):

Color Diagnostics, LLC DBA Color Health
Classification: Uncertain significance for Malignant hyperthermia, susceptibility to, 5. Last evaluated: 2025-08-25. Review status: criteria provided, single submitter. Criteria: ACMG Guidelines, 2015. Collection method: clinical testing. Allele origin: germline.
Comment: This missense variant replaces alanine with threonine at codon 1053 of the CACNA1S protein. Computational prediction suggests that this variant may have deleterious impact on protein structure and function. To our knowledge, functional studies have not been reported for this variant. This variant has not been reported in individuals affected with CACNA1S-related disorders in the literature. This variant has not been identified in the general population by the Genome Aggregation Database (gnomAD). The available evidence is insufficient to determine the role of this variant in disease conclusively. Therefore, this variant is classified as a Variant of Uncertain Significance.

Labcorp Genetics (formerly Invitae), Labcorp
Classification: Uncertain significance for Hypokalemic periodic paralysis, type 1; Malignant hyperthermia, susceptibility to, 5. Last evaluated: 2023-06-30. Review status: criteria provided, single submitter. Criteria: Invitae Variant Classification Sherloc (09022015). Collection method: clinical testing. Allele origin: germline.
Comment: ClinVar contains an entry for this variant (Variation ID: 591277). In summary, the available evidence is currently insufficient to determine the role of this variant in disease. Therefore, it has been classified as a Variant of Uncertain Significance. Advanced modeling of protein sequence and biophysical properties (such as structural, functional, and spatial information, amino acid conservation, physicochemical variation, residue mobility, and thermodynamic stability) performed at Invitae indicates that this missense variant is not expected to disrupt CACNA1S protein function. This variant has not been reported in the literature in individuals affected with CACNA1S-related conditions. This variant is not present in population databases (gnomAD no frequency). This sequence change replaces alanine, which is neutral and non-polar, with threonine, which is neutral and polar, at codon 1053 of the CACNA1S protein (p.Ala1053Thr).

Gharavi Laboratory, Columbia University
Classification: Uncertain significance. Last evaluated: 2018-09-16. Review status: no assertion criteria provided. Criteria: ACMG Guidelines, 2015. Collection method: research. Allele origin: germline. Affected: yes. Not counted in ClinVar's aggregate classification.